The following is an entry in ClinVar:

ClinVar aggregate classification (germline): Uncertain significance. Review status: criteria provided, multiple submitters, no conflicts (2 of 4 stars). 3 submissions from 3 submitters: Uncertain significance (3). Last evaluated 2025-08-27.

Conditions:
Hereditary cancer-predisposing syndrome. Also called: Hereditary Cancer Syndrome; Tumor predisposition; Hereditary neoplastic syndrome; Neoplastic Syndromes, Hereditary. Identifiers: Orphanet 140162, MedGen C0027672, MeSH D009386, MONDO:0015356.

Allele frequency attached by ClinVar (database versions not stated): TOPMed 0.00001.

Submissions (3):

Labcorp Genetics (formerly Invitae), Labcorp
Classification: Uncertain significance. Last evaluated: 2025-08-27. Review status: criteria provided, single submitter. Criteria: Invitae Variant Classification Sherloc (09022015). Collection method: clinical testing. Allele origin: germline.
Comment: This sequence change replaces serine, which is neutral and polar, with phenylalanine, which is neutral and non-polar, at codon 93 of the HOXB13 protein (p.Ser93Phe). This variant is not present in population databases (gnomAD no frequency). This variant has not been reported in the literature in individuals affected with HOXB13-related conditions. ClinVar contains an entry for this variant (Variation ID: 1055755). Invitae Evidence Modeling of protein sequence and biophysical properties (such as structural, functional, and spatial information, amino acid conservation, physicochemical variation, residue mobility, and thermodynamic stability) indicates that this missense variant is not expected to disrupt HOXB13 protein function with a negative predictive value of 80%. In summary, the available evidence is currently insufficient to determine the role of this variant in disease. Therefore, it has been classified as a Variant of Uncertain Significance.

GeneDx
Classification: Uncertain significance. Last evaluated: 2024-08-06. Review status: criteria provided, single submitter. Criteria: GeneDx Variant Classification Process June 2021. Collection method: clinical testing. Allele origin: germline. Affected: yes.
Comment: Not observed at significant frequency in large population cohorts (gnomAD); In silico analysis supports that this missense variant has a deleterious effect on protein structure/function; Has not been previously published as pathogenic or benign to our knowledge

Ambry Genetics
Classification: Uncertain significance for Hereditary cancer-predisposing syndrome. Last evaluated: 2024-03-28. Review status: criteria provided, single submitter. Criteria: Ambry Variant Classification Scheme 2023. Collection method: clinical testing. Allele origin: germline.
Comment: The p.S93F variant (also known as c.278C>T), located in coding exon 1 of the HOXB13 gene, results from a C to T substitution at nucleotide position 278. The serine at codon 93 is replaced by phenylalanine, an amino acid with highly dissimilar properties. This amino acid position is conserved. In addition, this alteration is predicted to be tolerated by in silico analysis. Since supporting evidence is limited at this time, the clinical significance of this alteration remains unclear.

NM_006361.6(HOXB13):c.278C>T (p.Ser93Phe)

Gene: HOXB13 (homeobox B13; minus strand). Cytogenetic location: 17q21.32.
Variant type: single nucleotide variant.
Coding change: c.278C>T on transcript NM_006361.6 (MANE Select); coding-DNA position 278, C replaced by T.
Protein change: p.Ser93Phe; replaces serine 93 with phenylalanine.
Molecular consequence: missense variant.
Genome position (GRCh38, 1-based): chr17:48,728,316, G>A on the plus strand (C>T on the coding strand, the complement: HOXB13 is on the minus strand). VCF-style: chr17-48728316-G-A. GRCh37 (hg19) VCF-style: chr17-46805678-G-A.
Other names: short protein forms S93F.
Identifiers: ClinVar variation 1055755 (VCV001055755.14), dbSNP rs2038236790, ClinGen allele CA400107779.